The following is an entry in ClinVar:

ClinVar aggregate classification (germline): Uncertain significance (1 of 4 stars; one submission).

Conditions:
Inborn genetic diseases. Identifiers: MedGen C0950123, MeSH D030342.

Submission:

Ambry Genetics
Classification: Uncertain significance for Inborn genetic diseases. Last evaluated: 2026-03-07. Review status: criteria provided, single submitter. Criteria: Ambry Variant Classification Scheme 2023. Collection method: clinical testing. Allele origin: germline.
Comment: The p.L798P variant (also known as c.2393T>C), located in coding exon 26 of the FANCA gene, results from a T to C substitution at nucleotide position 2393. The leucine at codon 798 is replaced by proline, an amino acid with similar properties. This amino acid position is conserved. In addition, the in silico prediction for this alteration is inconclusive. Based on the available evidence, the clinical significance of this variant remains unclear.

NM_000135.4(FANCA):c.2393T>C (p.Leu798Pro)

Gene: FANCA (FA complementation group A; minus strand). Cytogenetic location: 16q24.3.
Variant type: single nucleotide variant.
Coding change: c.2393T>C on transcript NM_000135.4 (MANE Select); coding-DNA position 2393, T replaced by C.
Protein change: p.Leu798Pro; replaces leucine 798 with proline.
Molecular consequence: missense variant.
Genome position (GRCh38, 1-based): chr16:89,769,948, A>G on the plus strand (T>C on the coding strand, the complement: FANCA is on the minus strand). VCF-style: chr16-89769948-A-G. GRCh37 (hg19) VCF-style: chr16-89836356-A-G.
Other names: c.2393T>C, p.Leu798Pro (NM_001286167.3); short protein forms L798P.
Identifiers: ClinVar variation 4826915 (VCV004826915.1).